The following is an entry in ClinVar:

NM_002485.5(NBN):c.897-30_921delinsATATAATATATTATCATACTTAAACTATTTTATTCTAATAG

Gene: NBN (nibrin; minus strand). Cytogenetic location: 8q21.3.
Variant type: Indel.
Coding change: c.897-30_921delinsATATAATATATTATCATACTTAAACTATTTTATTCTAATAG on transcript NM_002485.5 (MANE Select); 30 bases into the intron before coding-DNA position 897 through coding-DNA position 921, the reference bases replaced by an inserted sequence.
Molecular consequence: splice acceptor variant.
Genome position (GRCh38, 1-based): chr8:89,964,483-89,964,537, 55 bases replaced. GRCh37 (hg19): chr8:90,976,711-90,976,765.
Other names: c.651-30_675delinsATATAATATATTATCATACTTAAACTATTTTATTCTAATAG (NM_001024688.3).
Identifiers: ClinVar variation 3877904 (VCV003877904.1).

ClinVar aggregate classification (germline): Likely pathogenic (1 of 4 stars; one submission).

Conditions:
Hereditary cancer-predisposing syndrome. Also called: Tumor predisposition; Neoplastic Syndromes, Hereditary; Hereditary Cancer Syndrome; Hereditary neoplastic syndrome. Identifiers: Orphanet 140162, MedGen C0027672, MeSH D009386, MONDO:0015356.

Submission:

Ambry Genetics
Classification: Likely pathogenic for Hereditary cancer-predisposing syndrome. Last evaluated: 2025-03-12. Review status: criteria provided, single submitter. Criteria: Ambry Variant Classification Scheme 2023. Collection method: clinical testing. Allele origin: germline.
Comment: The c.897-30_921del55insATATAATATATTATCATACTTAAACTATTTTATTCTAATAG variant results from a deletion of 51 nucleotides and insertion of 41 nucleotides at positions c.897-30 to c.921 and involves the canonical splice acceptor site before coding exon 8 of the NBN gene. The canonical splice acceptor site is highly conserved in available vertebrate species. RNA studies have demonstrated that this alteration results in abnormal splicing in the set of samples tested (Ambry internal data). Alterations that disrupt the canonical splice site are expected to cause aberrant splicing, resulting in an abnormal protein or a transcript that is subject to nonsense-mediated mRNA decay. As such, this alteration is classified as likely pathogenic.